The following is an entry in ClinVar:

ClinVar aggregate classification (germline): Uncertain significance. Review status: criteria provided, multiple submitters, no conflicts (2 of 4 stars). 2 submissions from 2 submitters: Uncertain significance (2). Last evaluated 2025-05-02.

Conditions:
Charcot-Marie-Tooth disease type 4. Also called: Charcot-Marie-Tooth disease, type IV; Charcot-Marie-Tooth, Type 4. Identifiers: Orphanet 64749, MedGen C4082197, MONDO:0018995.
Charcot-Marie-Tooth disease type 4B2. Also called: Charcot-Marie-Tooth Neuropathy Type 4B2; CMT 4B2; CHARCOT-MARIE-TOOTH DISEASE, DEMYELINATING, TYPE 4B2; CHARCOT-MARIE-TOOTH DISEASE, WITH FOCALLY FOLDED MYELIN SHEATHS, AUTOSOMAL RECESSIVE, TYPE 4B2. Identifiers: Orphanet 99956, MedGen C1858278, MONDO:0011475, OMIM 604563.

Allele frequency attached by ClinVar (database versions not stated): gnomAD exomes below 0.00001.
gnomAD v4.1: 6 of 1,613,594 alleles (0.00037%); highest among the groups gnomAD compares: Admixed American, 0.005%; no homozygotes.

Submissions (2):

Labcorp Genetics (formerly Invitae), Labcorp
Classification: Uncertain significance for Charcot-Marie-Tooth disease type 4. Last evaluated: 2025-05-02. Review status: criteria provided, single submitter. Criteria: Invitae Variant Classification Sherloc (09022015). Collection method: clinical testing. Allele origin: germline.
Comment: This sequence change replaces tyrosine, which is neutral and polar, with cysteine, which is neutral and slightly polar, at codon 1733 of the SBF2 protein (p.Tyr1733Cys). The frequency data for this variant in the population databases is considered unreliable, as metrics indicate poor data quality at this position in the gnomAD database. This variant has not been reported in the literature in individuals affected with SBF2-related conditions. ClinVar contains an entry for this variant (Variation ID: 1029987). Invitae Evidence Modeling of protein sequence and biophysical properties (such as structural, functional, and spatial information, amino acid conservation, physicochemical variation, residue mobility, and thermodynamic stability) indicates that this missense variant is expected to disrupt SBF2 protein function with a positive predictive value of 80%. In summary, the available evidence is currently insufficient to determine the role of this variant in disease. Therefore, it has been classified as a Variant of Uncertain Significance.

Baylor Genetics
Classification: Uncertain significance for Charcot-Marie-Tooth disease type 4B2. Last evaluated: 2019-03-13. Review status: criteria provided, single submitter. Criteria: ACMG Guidelines, 2015. Collection method: clinical testing. Allele origin: unknown. Affected: yes.
Comment: This variant was determined to be of uncertain significance according to ACMG Guidelines, 2015 [PMID:25741868].

NM_030962.4(SBF2):c.5198A>G (p.Tyr1733Cys)

Genes: SBF2-AS1 (SBF2 antisense RNA 1; plus strand), SBF2 (SET binding factor 2; minus strand), LOC105369149 (uncharacterized LOC105369149; plus strand). Cytogenetic location: 11p15.4.
Variant type: single nucleotide variant.
Coding change: c.5198A>G on transcript NM_030962.4 (MANE Select); coding-DNA position 5198, A replaced by G.
Protein change: p.Tyr1733Cys; replaces tyrosine 1733 with cysteine.
Molecular consequence: missense variant.
Genome position (GRCh38, 1-based): chr11:9,785,158, T>C on the plus strand (A>G on the coding strand, the complement: SBF2 is on the minus strand). VCF-style: chr11-9785158-T-C. GRCh37 (hg19) VCF-style: chr11-9806705-T-C.
Other names: c.5294A>G, p.Tyr1765Cys (NM_001386339.1); c.5069A>G, p.Tyr1690Cys (NM_001386342.1); short protein forms Y1733C, Y1765C, Y1690C.
Identifiers: ClinVar variation 1029987 (VCV001029987.4), dbSNP rs1334739235, ClinGen allele CA379631506.